The following is an entry in ClinVar:

Conditions:
Breast-ovarian cancer, familial, susceptibility to, 1 (BROVCA1). Also called: BRCA1 Hereditary Breast and Ovarian Cancer; OVARIAN CANCER, SUSCEPTIBILITY TO. Identifiers: Orphanet 145, MedGen C2676676, MONDO:0011450, OMIM 604370. Disease mechanism: loss of function.

Submission:

Brotman Baty Institute, University of Washington
No classification provided (evidence only). Condition: Breast-ovarian cancer, familial 1. Review status: no classification provided. Collection method: in vitro. Allele origin: not applicable. Functional consequence: function_uncertain_variant.
ClinVar note: "not provided" was previously submitted as the classification for the variant. However, the classification appeared to be based only on an observation of functional data so it was converted to no classification on 2025-07-30.

NM_007294.4(BRCA1):c.5318C>G (p.Thr1773Ser)

Gene: BRCA1 (BRCA1 DNA repair associated; minus strand). Cytogenetic location: 17q21.31.
Variant type: single nucleotide variant.
Coding change: c.5318C>G on transcript NM_007294.4 (MANE Select); coding-DNA position 5318, C replaced by G.
Protein change: p.Thr1773Ser; replaces threonine 1773 with serine.
Molecular consequence: missense variant. On other transcripts: non-coding transcript variant (1).
Genome position (GRCh38, 1-based): chr17:43,051,077, G>C on the plus strand (C>G on the coding strand, the complement: BRCA1 is on the minus strand). VCF-style: chr17-43051077-G-C. GRCh37 (hg19) VCF-style: chr17-41203094-G-C.
Other names: c.5054C>G, p.Thr1685Ser (NM_001407924.1, NM_001407920.1, NM_001407921.1 and 4 more transcripts); c.5048C>G, p.Thr1683Ser (NM_001407934.1, NM_001407935.1, NM_001407936.1); c.5195C>G, p.Thr1732Ser (NM_001407937.1, NM_001407938.1, NM_001407667.1 and 5 more transcripts); c.5192C>G, p.Thr1731Ser (NM_001407939.1, NM_001407940.1, NM_001407670.1 and 10 more transcripts); c.5189C>G, p.Thr1730Ser (NM_001407941.1, NM_001407687.1, NM_001407688.1 and 6 more transcripts); c.5177C>G, p.Thr1726Ser (NM_001407942.1, NM_001407692.1, NM_001407694.1 and 13 more transcripts); c.5174C>G, p.Thr1725Ser (NM_001407943.1, NM_001407732.1, NM_001407733.1 and 21 more transcripts); c.4982C>G, p.Thr1661Ser (NM_001407953.1, NM_001407954.1, NM_001407955.1 and 3 more transcripts); and 72 more; short protein forms T1773S, T1794S, T669S, T1726S, T1645S, T1683S, T1706S, T1729S.
Identifiers: ClinVar variation 865592 (VCV000865592.3), dbSNP rs80357428, ClinGen allele CA10590914.